The following is an entry in ClinVar:

ClinVar aggregate classification (germline): Uncertain significance. Review status: criteria provided, multiple submitters, no conflicts (2 of 4 stars). 2 submissions from 2 submitters: Uncertain significance (2). Last evaluated 2025-07-23.

Conditions:
Inborn genetic diseases. Identifiers: MedGen C0950123, MeSH D030342.

Allele frequency attached by ClinVar (database versions not stated): ExAC 0.00003; gnomAD exomes 0.00003.
gnomAD v4.1: 26 of 1,614,076 alleles (0.0016%); highest among the groups gnomAD compares: Middle Eastern, 0.016%; no homozygotes.

Submissions (2):

Labcorp Genetics (formerly Invitae), Labcorp
Classification: Uncertain significance. Last evaluated: 2025-07-23. Review status: criteria provided, single submitter. Criteria: Invitae Variant Classification Sherloc (09022015). Collection method: clinical testing. Allele origin: germline.
Comment: This sequence change replaces arginine, which is basic and polar, with histidine, which is basic and polar, at codon 360 of the NLRP1 protein (p.Arg360His). This variant is present in population databases (rs765811215, gnomAD 0.01%). This variant has not been reported in the literature in individuals affected with NLRP1-related conditions. ClinVar contains an entry for this variant (Variation ID: 1517401). An algorithm developed to predict the effect of missense changes on protein structure and function outputs the following: PolyPhen-2: "Benign". The histidine amino acid residue is found in multiple mammalian species, which suggests that this missense change does not adversely affect protein function. In summary, the available evidence is currently insufficient to determine the role of this variant in disease. Therefore, it has been classified as a Variant of Uncertain Significance.

Ambry Genetics
Classification: Uncertain significance for Inborn genetic diseases. Last evaluated: 2024-01-23. Review status: criteria provided, single submitter. Criteria: Ambry Variant Classification Scheme 2023. Collection method: clinical testing. Allele origin: germline.

NM_033004.4(NLRP1):c.1079G>A (p.Arg360His)

Gene: NLRP1 (NLR family pyrin domain containing 1; minus strand). Cytogenetic location: 17p13.2.
Variant type: single nucleotide variant.
Coding change: c.1079G>A on transcript NM_033004.4 (MANE Select); coding-DNA position 1079, G replaced by A.
Protein change: p.Arg360His; replaces arginine 360 with histidine.
Molecular consequence: missense variant.
Genome position (GRCh38, 1-based): chr17:5,559,617, C>T on the plus strand (G>A on the coding strand, the complement: NLRP1 is on the minus strand). VCF-style: chr17-5559617-C-T. GRCh37 (hg19) VCF-style: chr17-5462937-C-T.
Other names: c.1079G>A (NM_033004.3); c.1079G>A, p.Arg360His (NM_001033053.3, NM_014922.5, NM_033006.4 and 1 more transcripts); short protein forms R360H.
Identifiers: ClinVar variation 1517401 (VCV001517401.7), dbSNP rs765811215, ClinGen allele CA8327433.